The following is an entry in ClinVar:

NM_015386.3(COG4):c.433G>T (p.Gly145Ter)

Gene: COG4 (component of oligomeric golgi complex 4; minus strand). Cytogenetic location: 16q22.1.
Variant type: single nucleotide variant.
Coding change: c.433G>T on transcript NM_015386.3 (MANE Select); coding-DNA position 433, G replaced by T.
Protein change: p.Gly145Ter; replaces glycine 145 with a stop codon.
Molecular consequence: nonsense. On other transcripts: non-coding transcript variant (1).
Genome position (GRCh38, 1-based): chr16:70,514,446, C>A on the plus strand (G>T on the coding strand, the complement: COG4 is on the minus strand). VCF-style: chr16-70514446-C-A. GRCh37 (hg19) VCF-style: chr16-70548349-C-A.
Other names: c.421G>T, p.Gly141Ter (NM_001195139.2); c.7G>T, p.Gly3Ter (NM_001365426.1); short protein forms G141*, G145*, G3*.
Identifiers: ClinVar variation 3377650 (VCV003377650.1).

ClinVar aggregate classification (germline): Likely pathogenic (1 of 4 stars; one submission).

Conditions:
Microcephalic osteodysplastic dysplasia, Saul-Wilson type. Also called: Saul-Wilson Syndrome; MICROCEPHALIC OSTEODYSPLASTIC DYSPLASIA. Identifiers: Orphanet 85172, MedGen C4509877, MONDO:0019407, OMIM 618150.

Submission:

Neuberg Centre For Genomic Medicine, NCGM
Classification: Likely pathogenic for Microcephalic osteodysplastic dysplasia, Saul-Wilson type. Review status: criteria provided, single submitter. Criteria: ACMG Guidelines, 2015. Collection method: clinical testing. Allele origin: germline. Inheritance: Autosomal dominant inheritance. Affected: yes.
Comment: The observed stop gained c.433G>T(p.Gly145Ter) variant in COG4 gene has not been reported previously as a pathogenic variant nor a benign variant, to our knowledge. The c.433G>T variant is absent in gnomAD Exomes. This variant has not been submitted to the ClinVar database. Computational evidence (MutationTaster - Disease causing) predicts damaging effect on protein structure and function for this variant. The nucleotide change c.433G>T in COG4 is predicted as conserved by GERP++ and PhyloP across 100 vertebrates. This variant is predicted to cause loss of normal protein function through protein truncation. Loss of function variants have been previously reported to be disease causing. For these reasons, this variant has been classified as Likely Pathogenic.